The following is an entry in ClinVar:

ClinVar aggregate classification (germline): Uncertain significance (1 of 4 stars; one submission).

Submission:

Labcorp Genetics (formerly Invitae), Labcorp
Classification: Uncertain significance. Last evaluated: 2022-08-07. Review status: criteria provided, single submitter. Criteria: Invitae Variant Classification Sherloc (09022015). Collection method: clinical testing. Allele origin: germline.
Comment: This variant has not been reported in the literature in individuals affected with COL4A1-related conditions. This sequence change falls in intron 24 of the COL4A1 gene. It does not directly change the encoded amino acid sequence of the COL4A1 protein. Information on the frequency of this variant in the gnomAD database is not available, as this variant may be reported differently in the database. Experimental studies and prediction algorithms are not available or were not evaluated, and the effect of this variant on mRNA splicing is currently unknown. In summary, the available evidence is currently insufficient to determine the role of this variant in disease. Therefore, it has been classified as a Variant of Uncertain Significance.

NM_001845.6(COL4A1):c.1536+8_1536+9delinsCC

Gene: COL4A1 (collagen type IV alpha 1 chain; minus strand). Cytogenetic location: 13q34.
Variant type: Indel.
Coding change: c.1536+8_1536+9delinsCC on transcript NM_001845.6 (MANE Select); bases 8 to 9 of the intron after coding-DNA position 1536, AA replaced by CC.
Molecular consequence: intron variant.
Genome position (GRCh38, 1-based): chr13:110,192,205-110,192,206, TT replaced by GG on the plus strand (AA replaced by CC on the coding strand, the reverse complement: COL4A1 is on the minus strand). VCF-style: chr13-110192205-TT-GG. GRCh37 (hg19) VCF-style: chr13-110844552-TT-GG.
Other names: c.1536+8_1536+9delinsCC (NM_001303110.2).
Identifiers: ClinVar variation 2022463 (VCV002022463.4), dbSNP rs2501538390, ClinGen allele CA2580087096.
Genomic context (GRCh38, chr13:110,192,205, plus strand): 5'-GACACAACTCTGTCCACGTGCTTGGTGGCAACTTCTGATATGTACATGAACTCAGACAGG[TT>GG]TACTTACTGGCACTCCTGCAACACCATCTCTGCCAGGCAAACCTCTGTCGCCCTTGGCCC-3'